The following is an entry in ClinVar:

ClinVar aggregate classification (germline): Uncertain significance (1 of 4 stars; one submission).

Conditions:
Nephronophthisis 15 (NPHP15). Identifiers: Orphanet 3156, MedGen C3541853, MONDO:0013917, OMIM 614845.

Submission:

Labcorp Genetics (formerly Invitae), Labcorp
Classification: Uncertain significance for Nephronophthisis 15. Last evaluated: 2022-02-05. Review status: criteria provided, single submitter. Criteria: Invitae Variant Classification Sherloc (09022015). Collection method: clinical testing. Allele origin: germline.
Comment: In summary, the available evidence is currently insufficient to determine the role of this variant in disease. Therefore, it has been classified as a Variant of Uncertain Significance. Algorithms developed to predict the effect of missense changes on protein structure and function are either unavailable or do not agree on the potential impact of this missense change (SIFT: "Deleterious"; PolyPhen-2: "Probably Damaging"; Align-GVGD: "Class C0"). This variant has not been reported in the literature in individuals affected with CEP164-related conditions. This variant is not present in population databases (gnomAD no frequency). This sequence change replaces serine, which is neutral and polar, with cysteine, which is neutral and slightly polar, at codon 1346 of the CEP164 protein (p.Ser1346Cys).

NM_014956.5(CEP164):c.4037C>G (p.Ser1346Cys)

Gene: CEP164 (centrosomal protein 164; plus strand). Cytogenetic location: 11q23.3.
Variant type: single nucleotide variant.
Coding change: c.4037C>G on transcript NM_014956.5 (MANE Select); coding-DNA position 4037, C replaced by G.
Protein change: p.Ser1346Cys; replaces serine 1346 with cysteine.
Molecular consequence: missense variant.
Genome position (GRCh38, 1-based): chr11:117,409,906, C>G. VCF-style: chr11-117409906-C-G. GRCh37 (hg19) VCF-style: chr11-117280622-C-G.
Other names: c.4022C>G, p.Ser1341Cys (NM_001271933.2); short protein forms S1341C, S1346C.
Identifiers: ClinVar variation 1507415 (VCV001507415.8), dbSNP rs2136941463, ClinGen allele CA382745127.